The following is an entry in ClinVar:

ClinVar aggregate classification (germline): Uncertain significance (1 of 4 stars; one submission).

Allele frequency attached by ClinVar (database versions not stated): gnomAD exomes below 0.00001; ExAC 0.00002.
gnomAD v4.1: 6 of 1,614,230 alleles (0.00037%); highest among the groups gnomAD compares: South Asian, 0.0044%; no homozygotes.

Submission:

Ambry Genetics
Classification: Uncertain significance. Last evaluated: 2022-01-29. Review status: criteria provided, single submitter. Criteria: Ambry Variant Classification Scheme 2023. Collection method: clinical testing. Allele origin: germline.
Comment: The p.I733V variant (also known as c.2197A>G), located in coding exon 21 of the KIF1B gene, results from an A to G substitution at nucleotide position 2197. The isoleucine at codon 733 is replaced by valine, an amino acid with highly similar properties. This amino acid position is conserved. In addition, this alteration is predicted to be tolerated by in silico analysis. Since supporting evidence is limited at this time, the clinical significance of this alteration remains unclear.

NM_001365951.3(KIF1B):c.2335A>G (p.Ile779Val)

Gene: KIF1B (kinesin family member 1B; plus strand). Cytogenetic location: 1p36.22.
Variant type: single nucleotide variant.
Coding change: c.2335A>G on transcript NM_001365951.3 (MANE Select); coding-DNA position 2335, A replaced by G.
Protein change: p.Ile779Val; replaces isoleucine 779 with valine.
Molecular consequence: missense variant.
Genome position (GRCh38, 1-based): chr1:10,321,834, A>G. VCF-style: chr1-10321834-A-G. GRCh37 (hg19) VCF-style: chr1-10381892-A-G.
Other names: c.2335A>G, p.Ile779Val (NM_001365952.1); c.2197A>G, p.Ile733Val (NM_015074.3); short protein forms I733V, I779V.
Identifiers: ClinVar variation 1787498 (VCV001787498.2), dbSNP rs771692733, ClinGen allele CA581500.